The following is an entry in ClinVar:

ClinVar aggregate classification (germline): Benign/Likely benign. Review status: criteria provided, multiple submitters, no conflicts (2 of 4 stars). 5 submissions from 5 submitters: Benign (1); Likely benign (4). Last evaluated 2026-03-01.

Conditions:
Inborn genetic diseases. Identifiers: MedGen C0950123, MeSH D030342.
Rafiq syndrome (RAFQS). Identifiers: Orphanet 88616, MedGen C3280127, MONDO:0013624, OMIM 614202.

Allele frequency attached by ClinVar (database versions not stated): 1000 Genomes Project 0.00200; gnomAD 0.00210 and 0.00192; TOPMed 0.00217; 1000 Genomes Project 30x 0.00250; gnomAD exomes 0.00049 and 0.00019; ExAC 0.00057; ESP Exome Variant Server 0.00315.
gnomAD v4.1: 587 of 1,613,466 alleles (0.036%); highest among the groups gnomAD compares: African/African-American, 0.69%; 1 homozygote.

Submissions (5):

CeGaT Center for Human Genetics Tuebingen
Classification: Likely benign. Last evaluated: 2026-03-01. Review status: criteria provided, single submitter. Criteria: CeGaT Center For Human Genetics Tuebingen Variant Classification Criteria Version 2. Collection method: clinical testing. Allele origin: germline. Affected: yes. Observed: 1 variant allele.
Comment: MAN1B1: BP4, BP7

Labcorp Genetics (formerly Invitae), Labcorp
Classification: Benign for Rafiq syndrome. Last evaluated: 2026-02-01. Review status: criteria provided, single submitter. Criteria: Invitae Variant Classification Sherloc (09022015). Collection method: clinical testing. Allele origin: germline.

Blueprint Genetics
Classification: Likely benign. Last evaluated: 2024-08-28. Review status: criteria provided, single submitter. Criteria: ACMG Guidelines, 2015. Collection method: clinical testing. Allele origin: germline.

Genetic Services Laboratory, University of Chicago
Classification: Likely benign. Last evaluated: 2017-08-03. Review status: criteria provided, single submitter. Criteria: ACMG Guidelines, 2015. Collection method: clinical testing. Allele origin: germline. Affected: no.

Ambry Genetics
Classification: Likely benign for Inborn genetic diseases. Last evaluated: 2017-01-17. Review status: criteria provided, single submitter. Criteria: Ambry Variant Classification Scheme 2023. Collection method: clinical testing. Allele origin: germline.

NM_016219.5(MAN1B1):c.1710G>A (p.Glu570=)

Gene: MAN1B1 (mannosidase alpha class 1B member 1; plus strand). Cytogenetic location: 9q34.3.
Variant type: single nucleotide variant.
Coding change: c.1710G>A on transcript NM_016219.5 (MANE Select); coding-DNA position 1710, G replaced by A.
Protein change: p.Glu570=; no amino-acid change (glutamic acid 570 retained).
Molecular consequence: synonymous variant. On other transcripts: non-coding transcript variant (2).
Genome position (GRCh38, 1-based): chr9:137,107,393, G>A. VCF-style: chr9-137107393-G-A. GRCh37 (hg19) VCF-style: chr9-140001845-G-A.
Identifiers: ClinVar variation 588688 (VCV000588688.24), dbSNP rs144271949, ClinGen allele CA5359339.